The following is an entry in ClinVar:

ClinVar aggregate classification (germline): Uncertain significance. Review status: criteria provided, multiple submitters, no conflicts (2 of 4 stars). 2 submissions from 2 submitters: Uncertain significance (2). Last evaluated 2024-10-14.

Conditions:
Joubert syndrome. Also called: Familial aplasia of the vermis; JOUBERT-BOLTSHAUSER SYNDROME. Identifiers: Orphanet 475, MedGen C5979921, MONDO:0018772.
Meckel-Gruber syndrome. Also called: Dysencephalia splachnocystica; GRUBER SYNDROME; DYSENCEPHALIA SPLANCHNOCYSTICA. Identifiers: Orphanet 564, MedGen C0265215, MONDO:0018921.
TMEM67-related disorder. Also called: TMEM67-related disorders; TMEM67-related condition. Identifiers: MedGen CN239423.

gnomAD v4.1: 24 of 1,596,380 alleles (0.0015%); highest among the groups gnomAD compares: East Asian, 0.047%; no homozygotes.

Submissions (2):

PreventionGenetics, part of Exact Sciences
Classification: Uncertain significance for TMEM67-related condition. Last evaluated: 2024-10-14. Review status: criteria provided, single submitter. Criteria: ACMG Guidelines, 2015. Collection method: clinical testing. Allele origin: germline.
Comment: The TMEM67 c.2298C>G variant is predicted to result in the amino acid substitution p.Phe766Leu. To our knowledge, this variant has not been reported in the literature. This variant is reported in 0.010% of alleles in individuals of East Asian descent in gnomAD. At this time, the clinical significance of this variant is uncertain due to the absence of conclusive functional and genetic evidence.

Labcorp Genetics (formerly Invitae), Labcorp
Classification: Uncertain significance for Joubert syndrome; Meckel-Gruber syndrome. Last evaluated: 2022-04-13. Review status: criteria provided, single submitter. Criteria: Invitae Variant Classification Sherloc (09022015). Collection method: clinical testing. Allele origin: germline.
Comment: This sequence change replaces phenylalanine, which is neutral and non-polar, with leucine, which is neutral and non-polar, at codon 766 of the TMEM67 protein (p.Phe766Leu). This variant is present in population databases (no rsID available, gnomAD 0.01%). This variant has not been reported in the literature in individuals affected with TMEM67-related conditions. Algorithms developed to predict the effect of missense changes on protein structure and function are either unavailable or do not agree on the potential impact of this missense change (SIFT: "Deleterious"; PolyPhen-2: "Probably Damaging"; Align-GVGD: "Class C0"). In summary, the available evidence is currently insufficient to determine the role of this variant in disease. Therefore, it has been classified as a Variant of Uncertain Significance.

NM_153704.6(TMEM67):c.2298C>G (p.Phe766Leu)

Gene: TMEM67 (transmembrane protein 67; plus strand). Cytogenetic location: 8q22.1.
Variant type: single nucleotide variant.
Coding change: c.2298C>G on transcript NM_153704.6 (MANE Select); coding-DNA position 2298, C replaced by G.
Protein change: p.Phe766Leu; replaces phenylalanine 766 with leucine.
Molecular consequence: missense variant. On other transcripts: non-coding transcript variant (1).
Genome position (GRCh38, 1-based): chr8:93,803,660, C>G. VCF-style: chr8-93803660-C-G. GRCh37 (hg19) VCF-style: chr8-94815888-C-G.
Other names: c.2055C>G, p.Phe685Leu (NM_001142301.1); c.2298C>G (NM_153704.5); short protein forms F685L, F766L.
Identifiers: ClinVar variation 1393087 (VCV001393087.4), dbSNP rs372104198, ClinGen allele CA181343427.